The following is an entry in ClinVar:

ClinVar aggregate classification (germline): Pathogenic (1 of 4 stars; one submission).

Submission:

Quest Diagnostics Nichols Institute San Juan Capistrano
Classification: Pathogenic. Last evaluated: 2024-10-22. Review status: criteria provided, single submitter. Criteria: ACMG/ClinGen CNV Guidelines, 2019. Collection method: clinical testing. Allele origin: unknown.
Comment: Heterozygous deletions of 7q either similar to or fully contained within the current interval have been reported in individuals various phenotypes (Argiropoulos 2011, Ayub 2016, Beleza-Meireles 2013, Coutton 2014, Fan 2021, Hyhyeon 2015, Linhares 2013, Ramer 1991, Zen 2010). Haploinsufficiency has been established for multiple genes within this interval, including KCNH2 associated with long QT syndrome 2 (CCID:007351), KMT2C associated with syndromic intellectual disability (CCID:007376), SHH associated with holoprosencephaly 3 (CCID:007843), and MNX1 associated with Currarino syndrome (CCID:007477). There are no similar copy number losses of this region in the general populations of the Database of Genomic Variants. Therefore, based on gene content and current medical literature, this copy number variant (CNV) is classified as pathogenic. References: Argiropoulos et al., Am J Med Genet A. 2011 Apr;155A(4):885-91. PMID: 21416596 Ayub et al., Am J Med Genet A. 2016 Apr;170A(4):896-907. PMID: 26822682 Beleza-Meireles et al., Am J Med Genet A. 2013 Mar;161A(3):589-93. PMID: 23401163 Chen et al., Taiwan J Obstet Gynecol. 2016 Aug;55(4):591-5. PMID: 27590389 Coutton et al., Mol Syndromol. 2014 Jan;5(1):25-31. PMID: 24550762 Fan et al., Front Genet. 2021 Dec 1:12:761003. PMID: 34925452 Hyohyeon et al., Am J Med Genet A. 2015 Jan;167A(1):198-203. PMID: 25257745 Linhares et al., Meta Gene. 2013 Dec 4:2:16-24. PMID: 25606385 Ramer et al., Clin Genet. 1991 Jun;39(6):442-50. PMID: 1863992 Zen et al., Eur J Med Genet. 2010 Sep-Oct;53(5):333-6. PMID: 20601258

GRCh37/hg19 7q35-36.3(chr7:147773827-159119707)x1

Genes: ABCB8 (ATP binding cassette subfamily B member 8; plus strand), ABCF2 (ATP binding cassette subfamily F member 2; minus strand), ACTR3B (actin related protein 3B; plus strand), ACTR3C (actin related protein 3C; minus strand), AGAP3 (ArfGAP with GTPase domain, ankyrin repeat and PH domain 3; plus strand) and 77 more. Cytogenetic location: 7q35-36.3.
Variant type: copy number loss.
Change: copy number 1 (one copy instead of two) of chr7:147,773,827-159,119,707 (11.35 Mb, GRCh37 coordinates, 1-based), cytogenetic band 7q35-36.3.
Identifiers: ClinVar variation 3391899 (VCV003391899.2).